The following is an entry in ClinVar:

NM_001379403.1(WDR26):c.2261-13T>A

Gene: WDR26 (WD repeat domain 26; minus strand). Cytogenetic location: 1q42.11.
Variant type: single nucleotide variant.
Coding change: c.2261-13T>A on transcript NM_001379403.1 (MANE Select); 13 bases into the intron before coding-DNA position 2261, T replaced by A.
Molecular consequence: intron variant.
Genome position (GRCh38, 1-based): chr1:224,389,873, A>T on the plus strand (T>A on the coding strand, the complement: WDR26 is on the minus strand). VCF-style: chr1-224389873-A-T. GRCh37 (hg19) VCF-style: chr1-224577575-A-T.
Other names: c.1913-13T>A (NM_001115113.3); c.1961-13T>A (NM_025160.7).
Identifiers: ClinVar variation 4532653 (VCV004532653.1).

ClinVar aggregate classification (germline): Uncertain significance (1 of 4 stars; one submission).

Submission:

GeneDx
Classification: Uncertain significance. Last evaluated: 2025-05-28. Review status: criteria provided, single submitter. Criteria: GeneDx Variant Classification Process June 2021. Collection method: clinical testing. Allele origin: germline. Affected: yes.
Comment: Not observed at significant frequency in large population cohorts (gnomAD); In silico analysis supports a deleterious effect on splicing; Has not been previously published as pathogenic or benign to our knowledge